The following is an entry in ClinVar:

NC_000013.11:g.60163938C>T

Gene: DIAPH3 (diaphanous related formin 3; minus strand). Cytogenetic location: 13q21.2.
Variant type: single nucleotide variant.
Genome position: GRCh38 VCF-style: chr13-60163938-C-T. GRCh37 (hg19) VCF-style: chr13-60738072-C-T.
Other names: -172G-A.
Identifiers: ClinVar variation 31218 (VCV000031218.10), dbSNP rs2138511736, ClinGen allele CA2499222508.

ClinVar aggregate classification (germline): Uncertain significance. Review status: criteria provided, multiple submitters, no conflicts (2 of 4 stars). 3 submissions from 3 submitters: Uncertain significance (2). 1 of the submissions does not count toward it. Last evaluated 2026-02-03.

Conditions:
DIAPH3-related disorder. Also called: DIAPH3-related condition.
Autosomal dominant auditory neuropathy 1. Also called: AUDITORY NEUROPATHY, NONSYNDROMIC DOMINANT. Identifiers: Orphanet 90635, MedGen C1836743, MONDO:0012196, OMIM 609129.

Submissions (3):

PreventionGenetics, part of Exact Sciences
Classification: Uncertain significance for DIAPH3-related condition. Last evaluated: 2026-02-03. Review status: criteria provided, single submitter. Criteria: ACMG Guidelines, 2015. Collection method: clinical testing. Allele origin: germline.
Comment: The DIAPH3 c.-172G>A variant is located in the 5' untranslated region. This variant was reported to segregate with autosomal dominant auditory neuropathy in one large family, although detailed information on which individuals were tested for the variant was not reported (Schoen. 2010. PubMed ID: 20624953). In vitro experiments from the same study using patient derived lymphoblastoid cell lines found this variant results in increased DIAPH3 mRNA and protein expression. This variant has not been reported in a large population database, indicating this variant is rare. Although we suspect that this variant may be pathogenic, at this time, the clinical significance of this variant is uncertain due to the absence of conclusive functional and genetic evidence.

Labcorp Genetics (formerly Invitae), Labcorp
Classification: Uncertain significance. Last evaluated: 2023-04-06. Review status: criteria provided, single submitter. Criteria: Invitae Variant Classification Sherloc (09022015). Collection method: clinical testing. Allele origin: germline.
Comment: This variant occurs in a non-coding region of the DIAPH3 gene. It does not change the encoded amino acid sequence of the DIAPH3 protein. This variant is not present in population databases (gnomAD no frequency). This variant has been observed in individual(s) with auditory neuropathy (PMID: 20624953). ClinVar contains an entry for this variant (Variation ID: 31218). Studies have shown that this variant alters DIAPH3 gene expression (PMID: 20624953). In summary, the available evidence is currently insufficient to determine the role of this variant in disease. Therefore, it has been classified as a Variant of Uncertain Significance.

OMIM
Classification: Pathogenic for AUDITORY NEUROPATHY, AUTOSOMAL DOMINANT 1. Last evaluated: 2010-07-27. Review status: no assertion criteria provided. Collection method: literature only. Allele origin: germline. Not counted in ClinVar's aggregate classification.

Literature cited by the submitters: PubMed 20624953 (cited by Labcorp Genetics (formerly Invitae), Labcorp and OMIM).